The following is an entry in ClinVar:

NM_016222.4(DDX41):c.869C>T (p.Pro290Leu)

Gene: DDX41 (DEAD-box helicase 41; minus strand). Cytogenetic location: 5q35.3.
Variant type: single nucleotide variant.
Coding change: c.869C>T on transcript NM_016222.4 (MANE Select); coding-DNA position 869, C replaced by T.
Protein change: p.Pro290Leu; replaces proline 290 with leucine.
Molecular consequence: missense variant.
Genome position (GRCh38, 1-based): chr5:177,514,767, G>A on the plus strand (C>T on the coding strand, the complement: DDX41 is on the minus strand). VCF-style: chr5-177514767-G-A. GRCh37 (hg19) VCF-style: chr5-176941768-G-A.
Other names: c.491C>T, p.Pro164Leu (NM_001321732.2, NM_001321830.2); short protein forms P164L, P290L.
Identifiers: ClinVar variation 4010363 (VCV004010363.1).

ClinVar aggregate classification (germline): Uncertain significance (1 of 4 stars; one submission).

Conditions:
Inborn genetic diseases. Identifiers: MedGen C0950123, MeSH D030342.

Submission:

Ambry Genetics
Classification: Uncertain significance for Inborn genetic diseases. Last evaluated: 2025-05-18. Review status: criteria provided, single submitter. Criteria: Ambry Variant Classification Scheme 2023. Collection method: clinical testing. Allele origin: germline.
Comment: The p.P290L variant (also known as c.869C>T), located in coding exon 9 of the DDX41 gene, results from a C to T substitution at nucleotide position 869. The proline at codon 290 is replaced by leucine, an amino acid with similar properties. This amino acid position is conserved. In addition, this alteration is predicted to be tolerated by in silico analysis. Based on the available evidence, the clinical significance of this variant remains unclear.